The following is an entry in ClinVar:

ClinVar aggregate classification (germline): Uncertain significance (1 of 4 stars; one submission).

Allele frequency attached by ClinVar (database versions not stated): gnomAD exomes below 0.00001.
gnomAD v4.1: 1 of 1,613,872 alleles (0.000062%); highest among the groups gnomAD compares: Non-Finnish European, 0.000085%; no homozygotes.

Submission:

Laboratory for Molecular Medicine, Mass General Brigham Personalized Medicine
Classification: Uncertain significance. Last evaluated: 2011-08-26. Review status: criteria provided, single submitter. Criteria: LMM Criteria. Collection method: clinical testing. Allele origin: germline. Inheritance: Autosomal recessive inheritance. Observed: 1 variant allele.
Comment: Variant classified as Uncertain Significance - Favor Pathogenic. The Gly281Trp v ariant in TMC1 has not been previously seen at the LMM. This residue is conser ved in 11/11 ungapped vertebrate alignments, with non-conservation in two invert ebrate species (D. melanogaster, C. elegans). Computational predictions (PolyPh en, SIFT, AlignGVGD) suggest a deleterious or probably damaging impact of this m utation on TMC1 protein function. However there is no functional or segregatio n data in the literature supporting the pathogenicity of this variant. In summa ry, the clinical significance of this variant cannot be determined with certaint y at this time.

NM_138691.3(TMC1):c.841G>T (p.Gly281Trp)

Gene: TMC1 (transmembrane channel like 1; plus strand). Cytogenetic location: 9q21.13.
Variant type: single nucleotide variant.
Coding change: c.841G>T on transcript NM_138691.3 (MANE Select); coding-DNA position 841, G replaced by T.
Protein change: p.Gly281Trp; replaces glycine 281 with tryptophan.
Molecular consequence: missense variant.
Genome position (GRCh38, 1-based): chr9:72,772,512, G>T. VCF-style: chr9-72772512-G-T. GRCh37 (hg19) VCF-style: chr9-75387428-G-T.
Other names: short protein forms G281W.
Identifiers: ClinVar variation 47879 (VCV000047879.5), dbSNP rs397517842, ClinGen allele CA142089.